The following is an entry in ClinVar:

NM_198253.3(TERT):c.712C>G (p.Pro238Ala)

Gene: TERT (telomerase reverse transcriptase; minus strand). Cytogenetic location: 5p15.33.
Variant type: single nucleotide variant.
Coding change: c.712C>G on transcript NM_198253.3 (MANE Select); coding-DNA position 712, C replaced by G.
Protein change: p.Pro238Ala; replaces proline 238 with alanine.
Molecular consequence: missense variant. On other transcripts: non-coding transcript variant (2).
Genome position (GRCh38, 1-based): chr5:1,294,174, G>C on the plus strand (C>G on the coding strand, the complement: TERT is on the minus strand). VCF-style: chr5-1294174-G-C. GRCh37 (hg19) VCF-style: chr5-1294289-G-C.
Other names: c.712C>G, p.Pro238Ala (NM_001193376.3, NM_003219.1); short protein forms P238A.
Identifiers: ClinVar variation 3238481 (VCV003238481.1), dbSNP rs149427814.

ClinVar aggregate classification (germline): Uncertain significance (1 of 4 stars; one submission).

Conditions:
Dyskeratosis congenita. Identifiers: Orphanet 1775, MedGen C0265965, MONDO:0015780.

Submission:

Ambry Genetics
Classification: Uncertain significance for Dyskeratosis congenita. Last evaluated: 2023-11-22. Review status: criteria provided, single submitter. Criteria: Ambry Variant Classification Scheme 2023. Collection method: clinical testing. Allele origin: germline.
Comment: The p.P238A variant (also known as c.712C>G), located in coding exon 2 of the TERT gene, results from a C to G substitution at nucleotide position 712. The proline at codon 238 is replaced by alanine, an amino acid with highly similar properties. This amino acid position is conserved. In addition, this alteration is predicted to be tolerated by in silico analysis. Since supporting evidence is limited at this time, the clinical significance of this alteration remains unclear.